The following is an entry in ClinVar:

ClinVar aggregate classification (germline): Pathogenic (1 of 4 stars; one submission).

Conditions:
Hereditary angioedema type 1 (HAE1). Identifiers: Orphanet 100050, Orphanet 100051, Orphanet 91378, MedGen C2717906, MONDO:0015053, OMIM 106100.

Submission:

DNA-diagnostics Laboratory, Research Centre For Medical Genetics
Classification: Pathogenic for Hereditary angioedema type 1. Last evaluated: 2024-06-01. Review status: criteria provided, single submitter. Criteria: ACMG Guidelines, 2015. Collection method: research. Allele origin: germline. Inheritance: Autosomal dominant inheritance. Affected: yes. Observed: 1 variant allele, 1 heterozygote.
Comment: The c.981_987del variant in SERPING1 meets ACMG/ClinGen SVI guidance criteria to be classified as pathogenic: PVS1, PM2_Sup, PP4

NM_000062.3(SERPING1):c.981_987del (p.Lys328fs)

Gene: SERPING1 (serpin family G member 1; plus strand). Cytogenetic location: 11q12.1.
Variant type: Deletion.
Coding change: c.981_987del on transcript NM_000062.3 (MANE Select); coding-DNA positions 981 to 987, 7 bases deleted (CAAGAAG; older notation c.981_987delCAAGAAG).
Protein change: p.Lys328fs; shifts the reading frame from lysine 328.
Molecular consequence: frameshift variant.
Genome position (GRCh38, 1-based): chr11:57,606,499-57,606,505, CAAGAAG deleted; deleting any 7 consecutive bases within chr11:57,606,497-57,606,505 gives the same sequence; the c. name uses the placement nearest the transcript's 3' end. VCF-style (leftmost placement, unchanged base first): chr11-57606496-TAGCAAGA-T. GRCh37 (hg19) VCF-style: chr11-57373969-TAGCAAGA-T.
Other names: c.981_987del, p.Lys328fs (NM_001032295.2); short protein forms K328fs.
Identifiers: ClinVar variation 3248530 (VCV003248530.2), dbSNP rs2495442467.